The following is an entry in ClinVar:

ClinVar aggregate classification (germline): Conflicting classifications of pathogenicity. Review status: criteria provided, conflicting classifications (1 of 4 stars). 4 submissions from 4 submitters: Uncertain significance (3); Likely benign (1). Last evaluated 2026-08-24.

Conditions:
IQCB1-related disorder. Also called: IQCB1-related condition.
Inborn genetic diseases. Identifiers: MedGen C0950123, MeSH D030342.
Senior-Loken syndrome 5 (SLSN5). Identifiers: Orphanet 3156, MedGen C1836517, MONDO:0012225, OMIM 609254.
Nephronophthisis. Also called: Juvenile Nephronophthisis. Identifiers: Orphanet 655, MedGen C0687120, MONDO:0019005, HP:0000090.

Allele frequency attached by ClinVar (database versions not stated): ExAC 0.00007; gnomAD exomes 0.00007 and 0.00003; 1000 Genomes Project 30x 0.00016; 1000 Genomes Project 0.00020; ESP Exome Variant Server 0.00038; TOPMed 0.00053; gnomAD 0.00067.

Submissions (4):

PreventionGenetics, part of Exact Sciences
Classification: Uncertain significance for IQCB1-related condition. Last evaluated: 2026-08-24. Review status: criteria provided, single submitter. Criteria: ACMG Guidelines, 2015. Collection method: clinical testing. Allele origin: germline.
Comment: The IQCB1 c.560T>A variant is predicted to result in the amino acid substitution p.Met187Lys. To our knowledge, this variant has not been reported in the literature. This variant is reported in 0.14% of alleles in individuals of African descent in gnomAD, which may be too frequent to be a primary cause of disease. Although we suspect that this variant may be benign, at this time, the clinical significance of this variant is uncertain due to the absence of conclusive functional and genetic evidence.

Fulgent Genetics
Classification: Likely benign for Senior-Loken syndrome 5. Last evaluated: 2024-05-18. Review status: criteria provided, single submitter. Criteria: ACMG Guidelines, 2015. Collection method: clinical testing. Allele origin: germline.

Labcorp Genetics (formerly Invitae), Labcorp
Classification: Uncertain significance for Nephronophthisis. Last evaluated: 2024-01-02. Review status: criteria provided, single submitter. Criteria: Invitae Variant Classification Sherloc (09022015). Collection method: clinical testing. Allele origin: germline.
Comment: This sequence change replaces methionine, which is neutral and non-polar, with lysine, which is basic and polar, at codon 187 of the IQCB1 protein (p.Met187Lys). This variant is present in population databases (rs146796158, gnomAD 0.1%). This variant has not been reported in the literature in individuals affected with IQCB1-related conditions. ClinVar contains an entry for this variant (Variation ID: 643590). Advanced modeling of protein sequence and biophysical properties (such as structural, functional, and spatial information, amino acid conservation, physicochemical variation, residue mobility, and thermodynamic stability) performed at Invitae indicates that this missense variant is not expected to disrupt IQCB1 protein function with a negative predictive value of 80%. In summary, the available evidence is currently insufficient to determine the role of this variant in disease. Therefore, it has been classified as a Variant of Uncertain Significance.

Ambry Genetics
Classification: Uncertain significance for Inborn genetic diseases. Last evaluated: 2021-06-22. Review status: criteria provided, single submitter. Criteria: Ambry Variant Classification Scheme 2023. Collection method: clinical testing. Allele origin: germline.

NM_001023570.4(IQCB1):c.560T>A (p.Met187Lys)

Gene: IQCB1 (IQ motif containing B1; minus strand). Cytogenetic location: 3q13.33.
Variant type: single nucleotide variant.
Coding change: c.560T>A on transcript NM_001023570.4 (MANE Select); coding-DNA position 560, T replaced by A.
Protein change: p.Met187Lys; replaces methionine 187 with lysine.
Molecular consequence: missense variant. On other transcripts: non-coding transcript variant (1).
Genome position (GRCh38, 1-based): chr3:121,807,371, A>T on the plus strand (T>A on the coding strand, the complement: IQCB1 is on the minus strand). VCF-style: chr3-121807371-A-T. GRCh37 (hg19) VCF-style: chr3-121526218-A-T.
Other names: c.560T>A (NM_001023570.3); c.560T>A, p.Met187Lys (NM_001023571.4, NM_001319107.2); short protein forms M187K.
Identifiers: ClinVar variation 643590 (VCV000643590.10), dbSNP rs146796158, ClinGen allele CA2567374.